The following is an entry in ClinVar:

ClinVar aggregate classification (germline): Uncertain significance. Review status: criteria provided, multiple submitters, no conflicts (2 of 4 stars). 2 submissions from 2 submitters: Uncertain significance (2). Last evaluated 2025-05-19.

Conditions:
MAGEL2-related disorder. Also called: MAGEL2-related condition.

Submissions (2):

PreventionGenetics, part of Exact Sciences
Classification: Uncertain significance for MAGEL2-related condition. Last evaluated: 2025-05-19. Review status: criteria provided, single submitter. Criteria: ACMG Guidelines, 2015. Collection method: clinical testing. Allele origin: germline.
Comment: The MAGEL2 c.964C>G variant is predicted to result in the amino acid substitution p.Pro322Ala. To our knowledge, this variant has not been reported in the literature or in a large population database, indicating this variant is rare. At this time, the clinical significance of this variant is uncertain due to the absence of conclusive functional and genetic evidence.

Labcorp Genetics (formerly Invitae), Labcorp
Classification: Uncertain significance. Last evaluated: 2024-12-07. Review status: criteria provided, single submitter. Criteria: Invitae Variant Classification Sherloc (09022015). Collection method: clinical testing. Allele origin: germline.
Comment: This sequence change replaces proline, which is neutral and non-polar, with alanine, which is neutral and non-polar, at codon 322 of the MAGEL2 protein (p.Pro322Ala). This variant is not present in population databases (gnomAD no frequency). This variant has not been reported in the literature in individuals affected with MAGEL2-related conditions. Experimental studies and prediction algorithms are not available or were not evaluated, and the functional significance of this variant is currently unknown. In summary, the available evidence is currently insufficient to determine the role of this variant in disease. Therefore, it has been classified as a Variant of Uncertain Significance.

NM_019066.5(MAGEL2):c.964C>G (p.Pro322Ala)

Gene: MAGEL2 (MAGE family member L2; minus strand). Cytogenetic location: 15q11.2.
Variant type: single nucleotide variant.
Coding change: c.964C>G on transcript NM_019066.5 (MANE Select); coding-DNA position 964, C replaced by G.
Protein change: p.Pro322Ala; replaces proline 322 with alanine.
Molecular consequence: missense variant.
Genome position (GRCh38, 1-based): chr15:23,646,779, G>C on the plus strand (C>G on the coding strand, the complement: MAGEL2 is on the minus strand). VCF-style: chr15-23646779-G-C. GRCh37 (hg19) VCF-style: chr15-23891926-G-C.
Other names: short protein forms P322A.
Identifiers: ClinVar variation 3349603 (VCV003349603.4).